The following is an entry in ClinVar:

ClinVar aggregate classification (germline): Pathogenic (1 of 4 stars; one submission).

Submission:

Labcorp Genetics (formerly Invitae), Labcorp
Classification: Pathogenic. Last evaluated: 2023-07-07. Review status: criteria provided, single submitter. Criteria: Invitae Variant Classification Sherloc (09022015). Collection method: clinical testing. Allele origin: germline.
Comment: This sequence change creates a premature translational stop signal (p.Ser865Argfs*17) in the TONSL gene. It is expected to result in an absent or disrupted protein product. Loss-of-function variants in TONSL are known to be pathogenic (PMID: 30773277). This variant is not present in population databases (gnomAD no frequency). This variant has not been reported in the literature in individuals affected with TONSL-related conditions. ClinVar contains an entry for this variant (Variation ID: 2132850). For these reasons, this variant has been classified as Pathogenic.

Literature cited by the submitters: PubMed 30773277.

NM_013432.5(TONSL):c.2592del (p.Ser865fs)

Genes: TONSL (tonsoku like, DNA repair protein; minus strand), TONSL-AS1 (TONSL antisense RNA 1; plus strand). Cytogenetic location: 8q24.3.
Variant type: Deletion.
Coding change: c.2592del on transcript NM_013432.5 (MANE Select); coding-DNA position 2592, one base deleted (G; older notation c.2592delG).
Protein change: p.Ser865fs; shifts the reading frame from serine 865.
Molecular consequence: frameshift variant.
Genome position (GRCh38, 1-based): chr8:144,435,841, C deleted on the plus strand (G on the coding strand, the reverse complement: TONSL is on the minus strand); the first of 3 consecutive C bases (chr8:144,435,841-144,435,843); deleting any one gives the same sequence. VCF-style (leftmost placement, unchanged base first): chr8-144435840-AC-A. GRCh37 (hg19) VCF-style: chr8-145661223-AC-A.
Other names: short protein forms S865fs.
Identifiers: ClinVar variation 2132850 (VCV002132850.4), dbSNP rs2537487155, ClinGen allele CA2580078754.